The following is an entry in ClinVar:

ClinVar aggregate classification (germline): Uncertain significance (1 of 4 stars; one submission).

Conditions:
Hereditary cancer-predisposing syndrome. Also called: Hereditary Cancer Syndrome; Hereditary neoplastic syndrome; Tumor predisposition; Neoplastic Syndromes, Hereditary. Identifiers: Orphanet 140162, MedGen C0027672, MeSH D009386, MONDO:0015356.

Submission:

Ambry Genetics
Classification: Uncertain significance for Hereditary cancer-predisposing syndrome. Last evaluated: 2021-04-22. Review status: criteria provided, single submitter. Criteria: Ambry Variant Classification Scheme 2023. Collection method: clinical testing. Allele origin: germline.
Comment: The p.S364P variant (also known as c.1090T>C), located in coding exon 7 of the DICER1 gene, results from a T to C substitution at nucleotide position 1090. The serine at codon 364 is replaced by proline, an amino acid with similar properties. This amino acid position is highly conserved in available vertebrate species. In addition, the in silico prediction for this alteration is inconclusive. Since supporting evidence is limited at this time, the clinical significance of this alteration remains unclear.

NM_177438.3(DICER1):c.1090T>C (p.Ser364Pro)

Gene: DICER1 (dicer 1, ribonuclease III; minus strand). Cytogenetic location: 14q32.13.
Variant type: single nucleotide variant.
Coding change: c.1090T>C on transcript NM_177438.3 (MANE Select); coding-DNA position 1090, T replaced by C.
Protein change: p.Ser364Pro; replaces serine 364 with proline.
Molecular consequence: missense variant. On other transcripts: 5 prime UTR variant (1), non-coding transcript variant (6).
Genome position (GRCh38, 1-based): chr14:95,124,482, A>G on the plus strand (T>C on the coding strand, the complement: DICER1 is on the minus strand). VCF-style: chr14-95124482-A-G. GRCh37 (hg19) VCF-style: chr14-95590819-A-G.
Other names: c.685T>C, p.Ser229Pro (NM_001395687.1, NM_001395688.1, NM_001395689.1 and 3 more transcripts); c.523T>C, p.Ser175Pro (NM_001395691.1); c.1090T>C, p.Ser364Pro (NM_001395692.1, NM_001395693.1, NM_001395694.1 and 15 more transcripts); c.808T>C, p.Ser270Pro (NM_001395686.1); c.-479T>C (NM_001395697.1); short protein forms S175P, S364P, S270P, S229P.
Identifiers: ClinVar variation 1789303 (VCV001789303.2), dbSNP rs2140205477, ClinGen allele CA390886979.